The following is an entry in ClinVar:

NM_173728.4(ARHGEF15):c.1221del (p.Leu408fs)

Gene: ARHGEF15 (Rho guanine nucleotide exchange factor 15; plus strand). Cytogenetic location: 17p13.1.
Variant type: Deletion.
Coding change: c.1221del on transcript NM_173728.4 (MANE Select); coding-DNA position 1221, one base deleted (T; older notation c.1221delT).
Protein change: p.Leu408fs; shifts the reading frame from leucine 408.
Molecular consequence: frameshift variant.
Genome position (GRCh38, 1-based): chr17:8,315,238, T deleted; the last of 2 consecutive T bases (chr17:8,315,237-8,315,238); deleting either gives the same sequence. VCF-style (leftmost placement, unchanged base first): chr17-8315236-CT-C. GRCh37 (hg19) VCF-style: chr17-8218554-CT-C.
Other names: c.1221del, p.Leu408fs (NM_025014.2); short protein forms L408fs.
Identifiers: ClinVar variation 1020113 (VCV001020113.8), dbSNP rs1904933367, ClinGen allele CA2246259132.

ClinVar aggregate classification (germline): Uncertain significance (1 of 4 stars; one submission).

Conditions:
Early-infantile DEE. Also called: Ohtahara syndrome; Early infantile epileptic encephalopathy; Early infantile epileptic encephalopathy with suppression bursts. Identifiers: Orphanet 1934, MedGen C0393706, MONDO:0800491.

Submission:

Labcorp Genetics (formerly Invitae), Labcorp
Classification: Uncertain significance for Early-infantile DEE. Last evaluated: 2020-01-21. Review status: criteria provided, single submitter. Criteria: Invitae Variant Classification Sherloc (09022015). Collection method: clinical testing. Allele origin: germline.
Comment: In summary, the available evidence is currently insufficient to determine the role of this variant in disease. Therefore, it has been classified as a Variant of Uncertain Significance. The current clinical and genetic evidence is not sufficient to establish whether loss-of-function variants in ARHGEF15 cause disease. This variant has not been reported in the literature in individuals with ARHGEF15-related conditions. This variant is not present in population databases (ExAC no frequency). This sequence change creates a premature translational stop signal (p.Leu408Trpfs*19) in the ARHGEF15 gene. It is expected to result in an absent or disrupted protein product.